The following is an entry in ClinVar:

NM_000053.4(ATP7B):c.3040C>T (p.Pro1014Ser)

Gene: ATP7B (ATPase copper transporting beta; minus strand). Cytogenetic location: 13q14.3.
Variant type: single nucleotide variant.
Coding change: c.3040C>T on transcript NM_000053.4 (MANE Select); coding-DNA position 3040, C replaced by T.
Protein change: p.Pro1014Ser; replaces proline 1014 with serine.
Molecular consequence: missense variant. On other transcripts: intron variant (6).
Genome position (GRCh38, 1-based): chr13:51,946,304, G>A on the plus strand (C>T on the coding strand, the complement: ATP7B is on the minus strand). VCF-style: chr13-51946304-G-A. GRCh37 (hg19) VCF-style: chr13-52520440-G-A.
Other names: c.2896C>T, p.Pro966Ser (NM_001406520.1, NM_001406521.1, NM_001406522.1); c.3040C>T, p.Pro1014Ser (NM_001406523.1, NM_001406526.1, NM_001406511.1 and 2 more transcripts); c.2863C>T, p.Pro955Ser (NM_001406524.1); c.2806C>T, p.Pro936Ser (NM_001406527.1, NM_001406528.1, NM_001330578.2 and 1 more transcripts); c.2800C>T, p.Pro934Ser (NM_001406530.1); c.2392C>T, p.Pro798Ser (NM_001406545.1); c.1750C>T, p.Pro584Ser (NM_001406548.1); c.2722-2013C>T (NM_001406537.1); and 18 more; short protein forms P1003S, P1014S, P584S, P798S, P807S, P820S, P852S, P871S.
Identifiers: ClinVar variation 4757602 (VCV004757602.1).

ClinVar aggregate classification (germline): Uncertain significance (1 of 4 stars; one submission).

Conditions:
Wilson disease (WND). Also called: Wilson's disease. Identifiers: Orphanet 905, MedGen C0019202, MONDO:0010200, OMIM 277900. Disease mechanism: loss of function.

gnomAD v4.1: 3 of 1,595,822 alleles (0.00019%); highest among the groups gnomAD compares: South Asian, 0.0034%; no homozygotes.

Submission:

Color Diagnostics, LLC DBA Color Health
Classification: Uncertain significance for Wilson disease. Last evaluated: 2025-07-02. Review status: criteria provided, single submitter. Criteria: ACMG Guidelines, 2015. Collection method: clinical testing. Allele origin: germline.
Comment: This missense variant replaces proline with serine at codon 1014 of the ATP7B protein. Computational prediction suggests that this variant may have deleterious impact on protein structure and function. To our knowledge, functional studies have not been reported for this variant. This variant has not been reported in individuals affected with ATP7B-related disorders in the literature. This variant has been identified in 2/219476 chromosomes in the general population by the Genome Aggregation Database (gnomAD). The available evidence is insufficient to determine the role of this variant in disease conclusively. Therefore, this variant is classified as a Variant of Uncertain Significance.